The following is an entry in ClinVar:

ClinVar aggregate classification (germline): Uncertain significance (1 of 4 stars; one submission).

Conditions:
Mucopolysaccharidosis type 6 (MPS6). Also called: N-ACETYLGALACTOSAMINE-4-SULFATASE DEFICIENCY; MPS VI; MPS 6; Maroteaux Lamy syndrome; ARSB DEFICIENCY; ARYLSULFATASE B DEFICIENCY. Identifiers: Orphanet 583, MedGen C0026709, MONDO:0009661, OMIM 253200.

Submission:

Laboratory of Diagnosis and Therapy of Lysosomal Disorders, University of Padova
Classification: Uncertain significance for Mucopolysaccharidosis type 6. Last evaluated: 2018-01-01. Review status: criteria provided, single submitter. Criteria: ACMG Guidelines, 2015. Collection method: curation. Allele origin: germline. Affected: yes.
Comment: Absent from GnomAD (PM2)

Literature cited by the submitters: PubMed 27797586; PubMed 30118150.

NM_000046.5(ARSB):c.1163G>C (p.Arg388Thr)

Gene: ARSB (arylsulfatase B; minus strand). Cytogenetic location: 5q14.1.
Variant type: single nucleotide variant.
Coding change: c.1163G>C on transcript NM_000046.5 (MANE Select); coding-DNA position 1163, G replaced by C.
Protein change: p.Arg388Thr; replaces arginine 388 with threonine.
Molecular consequence: missense variant.
Genome position (GRCh38, 1-based): chr5:78,839,406, C>G on the plus strand (G>C on the coding strand, the complement: ARSB is on the minus strand). VCF-style: chr5-78839406-C-G. GRCh37 (hg19) VCF-style: chr5-78135229-C-G.
Other names: c.1163G>C, p.Arg388Thr (NM_198709.3); short protein forms R388T.
Identifiers: ClinVar variation 559684 (VCV000559684.1), dbSNP rs1554074134, ClinGen allele CA360338703.